The following is an entry in ClinVar:

NM_000170.3(GLDC):c.238C>T (p.Gln80Ter)

Gene: GLDC (glycine decarboxylase; minus strand). Cytogenetic location: 9p24.1.
Variant type: single nucleotide variant.
Coding change: c.238C>T on transcript NM_000170.3 (MANE Select); coding-DNA position 238, C replaced by T.
Protein change: p.Gln80Ter; replaces glutamine 80 with a stop codon.
Molecular consequence: nonsense.
Genome position (GRCh38, 1-based): chr9:6,645,262, G>A on the plus strand (C>T on the coding strand, the complement: GLDC is on the minus strand). VCF-style: chr9-6645262-G-A. GRCh37 (hg19) VCF-style: chr9-6645262-G-A.
Other names: short protein forms Q80*.
Identifiers: ClinVar variation 2818084 (VCV002818084.3), dbSNP rs2130031785, ClinGen allele CA372886281.
Genomic context (GRCh38, chr9:6,645,262, plus strand): 5'-AGGGCGGAGGGGAGGCCGCGGAGGGCCGGGTGGAGGTCCTTACCGCCAGCCCCAAGGTCT[G>A]CAGCATCTCTCTCTGGTCTTTGTCCCCAGGGCCGATGTGCCTCCGAGCGAAGTCGTCGTG-3'

ClinVar aggregate classification (germline): Pathogenic (1 of 4 stars; one submission).

Conditions:
Glycine encephalopathy. Also called: Nonketotic hyperglycinemia; Non-ketotic hyperglycinemia. Identifiers: Orphanet 407, MedGen C0751748, MONDO:0011612, HP:0008288.

Submission:

Labcorp Genetics (formerly Invitae), Labcorp
Classification: Pathogenic for Glycine encephalopathy. Last evaluated: 2024-01-11. Review status: criteria provided, single submitter. Criteria: Invitae Variant Classification Sherloc (09022015). Collection method: clinical testing. Allele origin: germline.
Comment: This sequence change creates a premature translational stop signal (p.Gln80*) in the GLDC gene. It is expected to result in an absent or disrupted protein product. Loss-of-function variants in GLDC are known to be pathogenic (PMID: 16601880). This variant is not present in population databases (gnomAD no frequency). This variant has not been reported in the literature in individuals affected with GLDC-related conditions. For these reasons, this variant has been classified as Pathogenic.

Literature cited by the submitters: PubMed 16601880.